The following is an entry in ClinVar:

NM_080647.1(TBX1):c.3G>A (p.Met1Ile)

Gene: TBX1 (T-box transcription factor 1; plus strand). Cytogenetic location: 22q11.21.
Variant type: single nucleotide variant.
Coding change: c.3G>A on transcript NM_080647.1; coding-DNA position 3, G replaced by A.
Protein change: p.Met1Ile; changes the start codon (methionine 1).
Molecular consequence: missense variant, initiator codon variant.
Genome position (GRCh38, 1-based): chr22:19,759,646, G>A. VCF-style: chr22-19759646-G-A. GRCh37 (hg19) VCF-style: chr22-19747169-G-A.
Other names: c.3G>A, p.Met1Ile (NM_005992.1, NM_080646.2); short protein forms M1I.
Identifiers: ClinVar variation 3644284 (VCV003644284.2).

ClinVar aggregate classification (germline): Uncertain significance (1 of 4 stars; one submission).

Conditions:
DiGeorge syndrome. Also called: Catch22; THIRD AND FOURTH PHARYNGEAL POUCH SYNDROME. Identifiers: Orphanet 567, MedGen C0012236, MONDO:0008564, OMIM 188400.

gnomAD v4.1: 1 of 1,612,394 alleles (0.000062%); highest among the groups gnomAD compares: Non-Finnish European, 0.000085%; no homozygotes.

Submission:

Labcorp Genetics (formerly Invitae), Labcorp
Classification: Uncertain significance for DiGeorge syndrome. Last evaluated: 2024-08-11. Review status: criteria provided, single submitter. Criteria: Invitae Variant Classification Sherloc (09022015). Collection method: clinical testing. Allele origin: germline.
Comment: This sequence change affects the initiator methionine of the TBX1 mRNA. The next in-frame methionine is located at codon 10. This variant is not present in population databases (gnomAD no frequency). This variant has not been reported in the literature in individuals affected with TBX1-related conditions. Experimental studies and prediction algorithms are not available or were not evaluated, and the functional significance of this variant is currently unknown. In summary, the available evidence is currently insufficient to determine the role of this variant in disease. Therefore, it has been classified as a Variant of Uncertain Significance.